The following is an entry in ClinVar:

ClinVar aggregate classification (germline): Uncertain significance. Review status: criteria provided, multiple submitters, no conflicts (2 of 4 stars). 2 submissions from 2 submitters: Uncertain significance (2). Last evaluated 2025-09-08.

Conditions:
Familial thoracic aortic aneurysm and aortic dissection (TAAD). Also called: Thoracic aortic aneurysms and dissections. Identifiers: Orphanet 91387, MedGen C4707243, MONDO:0019625.

gnomAD v4.1: 5 of 1,614,110 alleles (0.00031%); highest among the groups gnomAD compares: South Asian, 0.0011%; no homozygotes.

Submissions (2):

Color Diagnostics, LLC DBA Color Health
Classification: Uncertain significance for Familial thoracic aortic aneurysm and aortic dissection. Last evaluated: 2025-09-08. Review status: criteria provided, single submitter. Criteria: ACMG Guidelines, 2015. Collection method: clinical testing. Allele origin: germline.
Comment: This variant causes an A to G nucleotide substitution at the +6 position of intron 3 of the TGFBR1 gene. To our knowledge, functional studies have not been reported for this variant. This variant has not been reported in individuals affected with TGFBR1-related disorders in the literature. This variant has not been identified in the general population by the Genome Aggregation Database (gnomAD). The available evidence is insufficient to determine the role of this variant in disease conclusively. Therefore, this variant is classified as a Variant of Uncertain Significance.

Labcorp Genetics (formerly Invitae), Labcorp
Classification: Uncertain significance for Familial thoracic aortic aneurysm and aortic dissection. Last evaluated: 2023-11-29. Review status: criteria provided, single submitter. Criteria: Invitae Variant Classification Sherloc (09022015). Collection method: clinical testing. Allele origin: germline.
Comment: This sequence change falls in intron 3 of the TGFBR1 gene. It does not directly change the encoded amino acid sequence of the TGFBR1 protein. It affects a nucleotide within the consensus splice site. This variant is not present in population databases (gnomAD no frequency). This variant has not been reported in the literature in individuals affected with TGFBR1-related conditions. Variants that disrupt the consensus splice site are a relatively common cause of aberrant splicing (PMID: 17576681, 9536098). Algorithms developed to predict the effect of sequence changes on RNA splicing suggest that this variant is not likely to affect RNA splicing. In summary, the available evidence is currently insufficient to determine the role of this variant in disease. Therefore, it has been classified as a Variant of Uncertain Significance.

Literature cited by the submitters: PubMed 17576681 (cited by Labcorp Genetics (formerly Invitae), Labcorp); PubMed 9536098 (cited by Labcorp Genetics (formerly Invitae), Labcorp).

NM_004612.4(TGFBR1):c.574+6A>G

Gene: TGFBR1 (transforming growth factor beta receptor 1; plus strand). Cytogenetic location: 9q22.33.
Variant type: single nucleotide variant.
Coding change: c.574+6A>G on transcript NM_004612.4 (MANE Select); 6 bases into the intron after coding-DNA position 574, A replaced by G.
Molecular consequence: intron variant.
Genome position (GRCh38, 1-based): chr9:99,132,745, A>G. VCF-style: chr9-99132745-A-G. GRCh37 (hg19) VCF-style: chr9-101895027-A-G.
Other names: c.586+6A>G (NM_001407416.1, NM_001306210.2); c.367+6A>G (NM_001407423.1, NM_001407424.1, NM_001407425.1 and 8 more transcripts); c.574+6A>G (NM_001407417.1, NM_001407435.1); c.343+3645A>G (NM_001130916.3); c.379+6A>G (NM_001407418.1, NM_001407419.1, NM_001407422.1 and 1 more transcripts); c.328+6A>G (NM_001407436.1); c.98-5114A>G (NM_001407438.1); c.98-9791A>G (NM_001407437.1).
Identifiers: ClinVar variation 2916169 (VCV002916169.2), dbSNP rs1827282903, ClinGen allele CA1867274877.
Genomic context (GRCh38, chr9:99,132,745, plus strand): 5'-GGTACTACGTTGAAAGACTTAATTTATGATATGACAACGTCAGGTTCTGGCTCAGGTAAC[A>G]TAATTGTTTCTCCTTTTTCCTAAGACATCTTTTTAAAATTAAGCGATACTTATTTTATTA-3'